The following is an entry in ClinVar:

NM_178138.6(LHX3):c.27C>T (p.Arg9=)

Gene: LHX3 (LIM homeobox 3; minus strand). Cytogenetic location: 9q34.3.
Variant type: single nucleotide variant.
Coding change: c.27C>T on transcript NM_178138.6 (MANE Select); coding-DNA position 27, C replaced by T.
Protein change: p.Arg9=; no amino-acid change (arginine 9 retained).
Molecular consequence: synonymous variant.
Genome position (GRCh38, 1-based): chr9:136,204,986, G>A on the plus strand (C>T on the coding strand, the complement: LHX3 is on the minus strand). VCF-style: chr9-136204986-G-A. GRCh37 (hg19) VCF-style: chr9-139096832-G-A.
Identifiers: ClinVar variation 4980629 (VCV004980629.1).

ClinVar aggregate classification (germline): Likely benign (1 of 4 stars; one submission).

Conditions:
LHX3-related disorder. Also called: LHX3-related condition.

gnomAD v4.1: 71 of 1,592,542 alleles (0.0045%); highest among the groups gnomAD compares: South Asian, 0.074%; no homozygotes.

Submission:

PreventionGenetics, part of Exact Sciences
Classification: Likely benign for LHX3-related condition. Last evaluated: 2026-07-27. Review status: criteria provided, single submitter. Criteria: ACMG Guidelines, 2015. Collection method: clinical testing. Allele origin: germline.
Comment: This variant is classified as likely benign based on ACMG/AMP sequence variant interpretation guidelines (Richards et al. 2015 PMID: 25741868, with internal and published modifications).